The following is an entry in ClinVar:

ClinVar aggregate classification (germline): Pathogenic (1 of 4 stars; one submission).

Conditions:
Peroxisome biogenesis disorder, complementation group 7 (CG7). Also called: Peroxisome biogenesis disorder, complementation group B. Identifiers: MedGen C1864399.

Submission:

Labcorp Genetics (formerly Invitae), Labcorp
Classification: Pathogenic for Peroxisome biogenesis disorder, complementation group 7. Last evaluated: 2019-02-26. Review status: criteria provided, single submitter. Criteria: Invitae Variant Classification Sherloc (09022015). Collection method: clinical testing. Allele origin: germline.
Comment: A gross deletion of the genomic region encompassing the full coding sequence of the PEX10 gene has been identified. The boundaries of this event are unknown as the deletion extends beyond the assayed region for this gene and therefore may encompass additional genes. This variant has not been reported in the literature in individuals with PEX10-related conditions. Loss-of-function variants in PEX10 are known to be pathogenic (PMID: 9683594, 10862081, 21031596). For these reasons, this variant has been classified as Pathogenic.

NC_000001.11:g.(?_2405756)_(2412512_?)del

Gene: PEX10 (peroxisomal biogenesis factor 10; minus strand). Cytogenetic location: 1p36.32.
Variant type: Deletion.
Identifiers: ClinVar variation 830835 (VCV000830835.1).